The following is an entry in ClinVar:

ClinVar aggregate classification (germline): Likely benign (1 of 4 stars; one submission).

Allele frequency attached by ClinVar (database versions not stated): ESP Exome Variant Server 0.00016; 1000 Genomes Project 0.00020; ExAC 0.00022; TOPMed 0.00023; gnomAD 0.00024; 1000 Genomes Project 30x 0.00031.
gnomAD v4.1: 438 of 1,612,020 alleles (0.027%); highest among the groups gnomAD compares: Non-Finnish European, 0.033%; 2 homozygotes.

Submission:

CeGaT Center for Human Genetics Tuebingen
Classification: Likely benign. Last evaluated: 2022-09-01. Review status: criteria provided, single submitter. Criteria: CeGaT Center For Human Genetics Tuebingen Variant Classification Criteria Version 2. Collection method: clinical testing. Allele origin: germline. Affected: yes. Observed: 1 variant allele.
Comment: AHNAK2: BP4, BP7

NM_138420.4(AHNAK2):c.10842G>A (p.Lys3614=)

Gene: AHNAK2 (AHNAK nucleoprotein 2; minus strand). Cytogenetic location: 14q32.33.
Variant type: single nucleotide variant.
Coding change: c.10842G>A on transcript NM_138420.4 (MANE Select); coding-DNA position 10842, G replaced by A.
Protein change: p.Lys3614=; no amino-acid change (lysine 3614 retained).
Molecular consequence: synonymous variant.
Genome position (GRCh38, 1-based): chr14:104,944,609, C>T on the plus strand (G>A on the coding strand, the complement: AHNAK2 is on the minus strand). VCF-style: chr14-104944609-C-T. GRCh37 (hg19) VCF-style: chr14-105410946-C-T.
Other names: c.10542G>A, p.Lys3514= (NM_001350929.2).
Identifiers: ClinVar variation 2644660 (VCV002644660.24), dbSNP rs200283728, ClinGen allele CA7378942.